The following is an entry in ClinVar:

ClinVar aggregate classification (germline): Uncertain significance (1 of 4 stars; one submission).

Submission:

Labcorp Genetics (formerly Invitae), Labcorp
Classification: Uncertain significance. Last evaluated: 2022-04-10. Review status: criteria provided, single submitter. Criteria: Invitae Variant Classification Sherloc (09022015). Collection method: clinical testing. Allele origin: germline.
Comment: This variant, c.80_91del, results in the deletion of 4 amino acid(s) of the TRPC3 protein (p.Glu27_Gly30del), but otherwise preserves the integrity of the reading frame. In summary, the available evidence is currently insufficient to determine the role of this variant in disease. Therefore, it has been classified as a Variant of Uncertain Significance. Experimental studies and prediction algorithms are not available or were not evaluated, and the functional significance of this variant is currently unknown. This variant has not been reported in the literature in individuals affected with TRPC3-related conditions. This variant is present in population databases (no rsID available, gnomAD 0.1%).

NM_001130698.2(TRPC3):c.80_91del (p.23EDEG[1])

Gene: TRPC3 (transient receptor potential cation channel subfamily C member 3; minus strand). Cytogenetic location: 4q27.
Variant type: Deletion.
Coding change: c.80_91del on transcript NM_001130698.2 (MANE Select); coding-DNA positions 80 to 91, 12 bases deleted (AGGACGAGGGCG).
Protein change: p.23EDEG[1].
Molecular consequence: inframe deletion.
Genome position (GRCh38, 1-based): chr4:121,951,590-121,951,601, CGCCCTCGTCCT deleted on the plus strand (AGGACGAGGGCG on the coding strand, the reverse complement: TRPC3 is on the minus strand); deleting any 12 consecutive bases within chr4:121,951,590-121,951,611 gives the same sequence; the c. name uses the placement nearest the transcript's 3' end. VCF-style (leftmost placement, unchanged base first): chr4-121951589-GCGCCCTCGTCCT-G. GRCh37 (hg19) VCF-style: chr4-122872744-GCGCCCTCGTCCT-G.
Other names: c.80_91del, p.23EDEG[1] (NM_001366479.2).
Identifiers: ClinVar variation 2182249 (VCV002182249.4), dbSNP rs1365461890, ClinGen allele CA554524500.